The following is an entry in ClinVar:

ClinVar aggregate classification (germline): Uncertain significance (1 of 4 stars; one submission).

Allele frequency attached by ClinVar (database versions not stated): gnomAD 0.00001.
gnomAD v4.1: 11 of 1,564,558 alleles (0.0007%); highest among the groups gnomAD compares: Non-Finnish European, 0.00034%; no homozygotes.

Submission:

Labcorp Genetics (formerly Invitae), Labcorp
Classification: Uncertain significance. Last evaluated: 2025-02-10. Review status: criteria provided, single submitter. Criteria: Invitae Variant Classification Sherloc (09022015). Collection method: clinical testing. Allele origin: germline.
Comment: This sequence change replaces proline, which is neutral and non-polar, with leucine, which is neutral and non-polar, at codon 18 of the UNC119 protein (p.Pro18Leu). The frequency data for this variant in the population databases is considered unreliable, as metrics indicate poor data quality at this position in the gnomAD database. This variant has not been reported in the literature in individuals affected with UNC119-related conditions. ClinVar contains an entry for this variant (Variation ID: 3003506). An algorithm developed to predict the effect of missense changes on protein structure and function outputs the following: PolyPhen-2: "Benign". The leucine amino acid residue is found in multiple mammalian species, which suggests that this missense change does not adversely affect protein function. In summary, the available evidence is currently insufficient to determine the role of this variant in disease. Therefore, it has been classified as a Variant of Uncertain Significance.

NM_005148.4(UNC119):c.53C>T (p.Pro18Leu)

Genes: UNC119 (unc-119 lipid binding chaperone; minus strand), LOC130060555 (ATAC-STARR-seq lymphoblastoid silent region 8343; plus strand). Cytogenetic location: 17q11.2.
Variant type: single nucleotide variant.
Coding change: c.53C>T on transcript NM_005148.4 (MANE Select); coding-DNA position 53, C replaced by T.
Protein change: p.Pro18Leu; replaces proline 18 with leucine.
Molecular consequence: missense variant. On other transcripts: 5 prime UTR variant (1).
Genome position (GRCh38, 1-based): chr17:28,552,505, G>A on the plus strand (C>T on the coding strand, the complement: UNC119 is on the minus strand). VCF-style: chr17-28552505-G-A. GRCh37 (hg19) VCF-style: chr17-26879523-G-A.
Other names: c.-261C>T (NM_001330166.2); c.53C>T, p.Pro18Leu (NM_054035.2); short protein forms P18L.
Identifiers: ClinVar variation 3003506 (VCV003003506.3), dbSNP rs1213022558, ClinGen allele CA398336744.